The following is an entry in ClinVar:

ClinVar aggregate classification (germline): Uncertain significance. Review status: criteria provided, multiple submitters, no conflicts (2 of 4 stars). 2 submissions from 2 submitters: Uncertain significance (2). Last evaluated 2021-02-23.

Allele frequency attached by ClinVar (database versions not stated): gnomAD exomes below 0.00001 and 0.00001; TOPMed below 0.00001; ExAC 0.00001; gnomAD 0.00001.
gnomAD v4.1: 11 of 1,614,046 alleles (0.00068%); highest among the groups gnomAD compares: Non-Finnish European, 0.00093%; no homozygotes.

Submissions (2):

Labcorp Genetics (formerly Invitae), Labcorp
Classification: Uncertain significance. Last evaluated: 2021-02-23. Review status: criteria provided, single submitter. Criteria: Invitae Variant Classification Sherloc (09022015). Collection method: clinical testing. Allele origin: germline.
Comment: This sequence change replaces leucine with phenylalanine at codon 414 of the AAAS protein (p.Leu414Phe). The leucine residue is moderately conserved and there is a small physicochemical difference between leucine and phenylalanine. This variant is present in population databases (rs775810174, ExAC 0.001%). This variant has not been reported in the literature in individuals with AAAS-related conditions. Algorithms developed to predict the effect of missense changes on protein structure and function are either unavailable or do not agree on the potential impact of this missense change (SIFT: "Tolerated"; PolyPhen-2: "Possibly Damaging"; Align-GVGD: "Class C0"). In summary, the available evidence is currently insufficient to determine the role of this variant in disease. Therefore, it has been classified as a Variant of Uncertain Significance.

GeneDx
Classification: Uncertain significance. Last evaluated: 2019-03-24. Review status: criteria provided, single submitter. Criteria: GeneDx Variant Classification Process June 2021. Collection method: clinical testing. Allele origin: germline. Affected: yes.
Comment: Not observed at a significant frequency in large population cohorts (Lek et al., 2016); In silico analysis, which includes protein predictors and evolutionary conservation, supports that this variant does not alter protein structure/function; Has not been previously published as pathogenic or benign to our knowledge

NM_015665.6(AAAS):c.1240C>T (p.Leu414Phe)

Gene: AAAS (aladin WD repeat nucleoporin; minus strand). Cytogenetic location: 12q13.13.
Variant type: single nucleotide variant.
Coding change: c.1240C>T on transcript NM_015665.6 (MANE Select); coding-DNA position 1240, C replaced by T.
Protein change: p.Leu414Phe; replaces leucine 414 with phenylalanine.
Molecular consequence: missense variant.
Genome position (GRCh38, 1-based): chr12:53,308,291, G>A on the plus strand (C>T on the coding strand, the complement: AAAS is on the minus strand). VCF-style: chr12-53308291-G-A. GRCh37 (hg19) VCF-style: chr12-53702075-G-A.
Other names: c.1141C>T, p.Leu381Phe (NM_001173466.2); short protein forms L381F, L414F.
Identifiers: ClinVar variation 1308184 (VCV001308184.11), dbSNP rs775810174, ClinGen allele CA6598926.